The following is an entry in ClinVar:

NM_175875.5(SIX5):c.187G>T (p.Gly63Cys)

Genes: DM1-AS (DM1 locus antisense RNA; plus strand), SIX5 (SIX homeobox 5; minus strand), LOC107075317 (origin of replication in DMPK trinucleotide repeat region; plus strand), LOC129929037 (ATAC-STARR-seq lymphoblastoid silent region 10794; plus strand). Cytogenetic location: 19q13.32.
Variant type: single nucleotide variant.
Coding change: c.187G>T on transcript NM_175875.5 (MANE Select); coding-DNA position 187, G replaced by T.
Protein change: p.Gly63Cys; replaces glycine 63 with cysteine.
Molecular consequence: missense variant.
Genome position (GRCh38, 1-based): chr19:45,768,658, C>A on the plus strand (G>T on the coding strand, the complement: SIX5 is on the minus strand). VCF-style: chr19-45768658-C-A. GRCh37 (hg19) VCF-style: chr19-46271916-C-A.
Other names: short protein forms G63C.
Identifiers: ClinVar variation 4998232 (VCV004998232.1).

ClinVar aggregate classification (germline): Uncertain significance (1 of 4 stars; one submission).

Conditions:
SIX5-related disorder. Also called: SIX5-related condition.

Submission:

PreventionGenetics, part of Exact Sciences
Classification: Uncertain significance for SIX5-related condition. Last evaluated: 2025-06-01. Review status: criteria provided, single submitter. Criteria: ACMG Guidelines, 2015. Collection method: clinical testing. Allele origin: germline.
Comment: The SIX5 c.187G>T variant is predicted to result in the amino acid substitution p.Gly63Cys. To our knowledge, this variant has not been reported in the literature or in a large population database (gnomAD), indicating this variant is rare. At this time, the clinical significance of this variant is uncertain due to the absence of conclusive functional and genetic evidence.